The following is an entry in ClinVar:

NM_178335.3(CCDC50):c.497G>T (p.Arg166Ile)

Gene: CCDC50 (coiled-coil domain containing 50; plus strand). Cytogenetic location: 3q28.
Variant type: single nucleotide variant.
Coding change: c.497G>T on transcript NM_178335.3 (MANE Select); coding-DNA position 497, G replaced by T.
Protein change: p.Arg166Ile; replaces arginine 166 with isoleucine.
Molecular consequence: missense variant. On other transcripts: intron variant (1).
Genome position (GRCh38, 1-based): chr3:191,375,110, G>T. VCF-style: chr3-191375110-G-T. GRCh37 (hg19) VCF-style: chr3-191092899-G-T.
Other names: c.449-5049G>T (NM_174908.4); short protein forms R166I.
Identifiers: ClinVar variation 429860 (VCV000429860.2), dbSNP rs1131691638, ClinGen allele CA355763684.
Genomic context (GRCh38, chr3:191,375,110, plus strand): 5'-GCCTCCACTCAGACCAACCAGGGTCAAGGAGGGCCAGGGAATTGGGTTCTGGATTCTCAA[G>T]ACCTTGTAGACTCCAAAGAGATGGAAAGACTGTGAAGCACAAGAAAGAGAAACCAGAACA-3'
Protein context (NP_848018.1, residues 156-176): RARELGSGFS[Arg166Ile]PCRLQRDGKT

ClinVar aggregate classification (germline): Uncertain significance (1 of 4 stars; one submission).

gnomAD v4.1: 1 of 1,613,542 alleles (0.000062%); highest among the groups gnomAD compares: Non-Finnish European, 0.000085%; no homozygotes.

Submission:

GeneDx
Classification: Uncertain significance. Last evaluated: 2017-05-15. Review status: criteria provided, single submitter. Criteria: GeneDx Variant Classification (06012015). Collection method: clinical testing. Allele origin: germline. Affected: yes.
Comment: The R166I variant in the CCDC50 gene has not been reported previously as a pathogenic variant, nor as a benign variant, to our knowledge. The R166I variant is not observed in large population cohorts (Lek et al., 2016; 1000 Genomes Consortium et al., 2015; Exome Variant Server). The R166I variant is a non-conservative amino acid substitution, which is likely to impact secondary protein structure as these residues differ in polarity, charge, size and/or other properties. This substitution occurs at a position that is not conserved. In silico analysis is inconsistent in its predictions as to whether or not the variant is damaging to the protein structure/function. We interpret R166I as a variant of uncertain significance.